The following is an entry in ClinVar:

NM_002334.4(LRP4):c.1922C>T (p.Pro641Leu)

Gene: LRP4 (LDL receptor related protein 4; minus strand). Cytogenetic location: 11p11.2.
Variant type: single nucleotide variant.
Coding change: c.1922C>T on transcript NM_002334.4 (MANE Select); coding-DNA position 1922, C replaced by T.
Protein change: p.Pro641Leu; replaces proline 641 with leucine.
Molecular consequence: missense variant.
Genome position (GRCh38, 1-based): chr11:46,890,114, G>A on the plus strand (C>T on the coding strand, the complement: LRP4 is on the minus strand). VCF-style: chr11-46890114-G-A. GRCh37 (hg19) VCF-style: chr11-46911665-G-A.
Other names: short protein forms P641L.
Identifiers: ClinVar variation 304881 (VCV000304881.6), dbSNP rs886048355, ClinGen allele CA10639243.

ClinVar aggregate classification (germline): Uncertain significance. Review status: criteria provided, multiple submitters, no conflicts (2 of 4 stars). 2 submissions from 2 submitters: Uncertain significance (2). Last evaluated 2021-09-14.

Conditions:
Sclerosteosis 2 (SOST2). Identifiers: Orphanet 3152, MedGen C3280402, MONDO:0013679, OMIM 614305.
Cenani-Lenz syndactyly syndrome. Also called: CENANI SYNDACTYLISM; SYNDACTYLY, TYPE VII. Identifiers: Orphanet 3258, MedGen C1859309, MONDO:0008931, OMIM 212780.
Congenital myasthenic syndrome 17. Identifiers: Orphanet 590, MedGen C4225377, MONDO:0014578, OMIM 616304.

Allele frequency attached by ClinVar (database versions not stated): gnomAD exomes below 0.00001; gnomAD 0.00001.
gnomAD v4.1: 3 of 1,613,964 alleles (0.00019%); highest among the groups gnomAD compares: East Asian, 0.0022%; no homozygotes.

Submissions (2):

Labcorp Genetics (formerly Invitae), Labcorp
Classification: Uncertain significance for Cenani-Lenz syndactyly syndrome; Sclerosteosis 2; Congenital myasthenic syndrome 17. Last evaluated: 2021-09-14. Review status: criteria provided, single submitter. Criteria: Invitae Variant Classification Sherloc (09022015). Collection method: clinical testing. Allele origin: germline.
Comment: This sequence change replaces proline with leucine at codon 641 of the LRP4 protein (p.Pro641Leu). The proline residue is highly conserved and there is a moderate physicochemical difference between proline and leucine. This variant is not present in population databases (ExAC no frequency). This variant has not been reported in the literature in individuals affected with LRP4-related conditions. ClinVar contains an entry for this variant (Variation ID: 304881). Algorithms developed to predict the effect of missense changes on protein structure and function (SIFT, PolyPhen-2, Align-GVGD) all suggest that this variant is likely to be disruptive. In summary, the available evidence is currently insufficient to determine the role of this variant in disease. Therefore, it has been classified as a Variant of Uncertain Significance.

Illumina Laboratory Services, Illumina
Classification: Uncertain significance for Cenani-Lenz syndactyly syndrome. Last evaluated: 2017-04-27. Review status: criteria provided, single submitter. Criteria: ICSL Variant Classification Criteria 13 December 2019. Collection method: clinical testing. Allele origin: germline.